The following is an entry in ClinVar:

NM_004070.4(CLCNKA):c.1527C>T (p.Asn509=)

Genes: CLCNKA (chloride voltage-gated channel Ka; plus strand), LOC106501712 (CLCNKA recombination region; plus strand). Cytogenetic location: 1p36.13.
Variant type: single nucleotide variant.
Coding change: c.1527C>T on transcript NM_004070.4 (MANE Select); coding-DNA position 1527, C replaced by T.
Protein change: p.Asn509=; no amino-acid change (asparagine 509 retained).
Molecular consequence: synonymous variant.
Genome position (GRCh38, 1-based): chr1:16,030,579, C>T. VCF-style: chr1-16030579-C-T. GRCh37 (hg19) VCF-style: chr1-16357074-C-T.
Other names: c.1527C>T, p.Asn509= (NM_001042704.2); c.1398C>T, p.Asn466= (NM_001257139.2).
Identifiers: ClinVar variation 4533864 (VCV004533864.6).

ClinVar aggregate classification (germline): Likely benign (1 of 4 stars; one submission).

gnomAD v4.1: 333 of 1,613,068 alleles (0.021%); highest among the groups gnomAD compares: African/African-American, 0.21%; no homozygotes.

Submission:

CeGaT Center for Human Genetics Tuebingen
Classification: Likely benign. Last evaluated: 2025-10-01. Review status: criteria provided, single submitter. Criteria: CeGaT Center For Human Genetics Tuebingen Variant Classification Criteria Version 2. Collection method: clinical testing. Allele origin: germline. Affected: yes. Observed: 1 variant allele.
Comment: CLCNKA: BP4, BP7